The following is an entry in ClinVar:

ClinVar aggregate classification (germline): Uncertain significance (1 of 4 stars; one submission).

Conditions:
Brugada syndrome. Also called: Sudden unexpected nocturnal death syndrome; Sudden Unexplained Death Syndrome; Sudden Unexplained Nocturnal Death Syndrome (SUNDS); Sudden unexplained nocturnal death syndrome. Identifiers: Orphanet 130, MedGen C1142166, MONDO:0015263.

gnomAD v4.1: 3 of 1,614,150 alleles (0.00019%); highest among the groups gnomAD compares: Admixed American, 0.005%; no homozygotes.

Submission:

Labcorp Genetics (formerly Invitae), Labcorp
Classification: Uncertain significance for Brugada syndrome. Last evaluated: 2024-04-10. Review status: criteria provided, single submitter. Criteria: Invitae Variant Classification Sherloc (09022015). Collection method: clinical testing. Allele origin: germline.
Comment: This sequence change replaces alanine, which is neutral and non-polar, with threonine, which is neutral and polar, at codon 227 of the GPD1L protein (p.Ala227Thr). This variant is present in population databases (rs749527173, gnomAD 0.006%). This variant has not been reported in the literature in individuals affected with GPD1L-related conditions. Advanced modeling of protein sequence and biophysical properties (such as structural, functional, and spatial information, amino acid conservation, physicochemical variation, residue mobility, and thermodynamic stability) performed at Invitae indicates that this missense variant is not expected to disrupt GPD1L protein function with a negative predictive value of 80%. In summary, the available evidence is currently insufficient to determine the role of this variant in disease. Therefore, it has been classified as a Variant of Uncertain Significance.

NM_015141.4(GPD1L):c.679G>A (p.Ala227Thr)

Gene: GPD1L (glycerol-3-phosphate dehydrogenase 1 like; plus strand). Cytogenetic location: 3p22.3.
Variant type: single nucleotide variant.
Coding change: c.679G>A on transcript NM_015141.4 (MANE Select); coding-DNA position 679, G replaced by A.
Protein change: p.Ala227Thr; replaces alanine 227 with threonine.
Molecular consequence: missense variant.
Genome position (GRCh38, 1-based): chr3:32,158,936, G>A. VCF-style: chr3-32158936-G-A. GRCh37 (hg19) VCF-style: chr3-32200428-G-A.
Other names: short protein forms A227T.
Identifiers: ClinVar variation 3635297 (VCV003635297.2).
Genomic context (GRCh38, chr3:32,158,936, plus strand): 5'-AACATCGTAGCTGTGGGAGCTGGGTTCTGCGACGGCCTCCGCTGTGGAGACAACACCAAA[G>A]CGGCCGTCATCCGCCTGGGACTCATGGAAATGATTGCTTTTGCCAGGATCTTCTGCAAAG-3'
Protein context (NP_055956.1, residues 217-237): DGLRCGDNTK[Ala227Thr]AVIRLGLMEM